The following is an entry in ClinVar:

NM_000263.4(NAGLU):c.510C>T (p.Gly170=)

Gene: NAGLU (N-acetyl-alpha-glucosaminidase; plus strand). Cytogenetic location: 17q21.2.
Variant type: single nucleotide variant.
Coding change: c.510C>T on transcript NM_000263.4 (MANE Select); coding-DNA position 510, C replaced by T.
Protein change: p.Gly170=; no amino-acid change (glycine 170 retained).
Molecular consequence: synonymous variant.
Genome position (GRCh38, 1-based): chr17:42,537,524, C>T. VCF-style: chr17-42537524-C-T. GRCh37 (hg19) VCF-style: chr17-40689542-C-T.
Identifiers: ClinVar variation 751921 (VCV000751921.17), dbSNP rs375661192, ClinGen allele CA8576776.
Genomic context (GRCh38, chr17:42,537,524, plus strand): 5'-GGAGCGAGAGATAGACTGGATGGCGCTGAATGGCATCAACCTGGCACTGGCCTGGAGCGG[C>T]CAGGAGGCCATCTGGCAGCGGGTGCGTGCCCACTGTCCCTTCCCCACCCTCCTCTATGGC-3'
Protein context (NP_000254.2, residues 160-180): NGINLALAWS[Gly170=]QEAIWQRVYL

ClinVar aggregate classification (germline): Conflicting classifications of pathogenicity. Review status: criteria provided, conflicting classifications (1 of 4 stars). 4 submissions from 4 submitters: Uncertain significance (2); Likely benign (2). Last evaluated 2026-02-01.

Conditions:
Mucopolysaccharidosis, MPS-III-B (MPS3B). Also called: MUCOPOLYSACCHARIDOSIS, TYPE IIIB; N-ACETYL-ALPHA-D-GLUCOSAMINIDASE DEFICIENCY; NAGLU DEFICIENCY; SANFILIPPO SYNDROME B; MPS III B; MPS IIIB (Sanfilippo Syndrome Type B). Identifiers: Orphanet 79270, MedGen C0086648, MONDO:0009656, OMIM 252920.
Charcot-Marie-Tooth disease axonal type 2V. Also called: CHARCOT-MARIE-TOOTH NEUROPATHY, TYPE 2V; CHARCOT-MARIE-TOOTH DISEASE, AXONAL, AUTOSOMAL DOMINANT, TYPE 2V. Identifiers: Orphanet 447964, MedGen C5569050, MONDO:0014665, OMIM 616491.

Allele frequency attached by ClinVar (database versions not stated): ExAC 0.00008; gnomAD exomes 0.00015; gnomAD 0.00015; TOPMed 0.00017; ESP Exome Variant Server 0.00008.

Submissions (5):

Labcorp Genetics (formerly Invitae), Labcorp
Classification: Likely benign for Charcot-Marie-Tooth disease axonal type 2V; Mucopolysaccharidosis, MPS-III-B. Last evaluated: 2026-02-01. Review status: criteria provided, single submitter. Criteria: Invitae Variant Classification Sherloc (09022015). Collection method: clinical testing. Allele origin: germline.

Women's Health and Genetics/Laboratory Corporation of America, LabCorp
Classification: Uncertain significance. Last evaluated: 2025-06-04. Review status: criteria provided, single submitter. Criteria: LabCorp Variant Classification Summary - May 2015. Collection method: clinical testing. Allele origin: germline.
Comment: Variant summary: NAGLU c.510C>T alters a conserved nucleotide resulting in a synonymous change. Several computational tools predict a significant impact on normal splicing: Three predict the variant creates a 5' donor site. However, these predictions have yet to be confirmed by functional studies. The variant allele was found at a frequency of 0.00015 in 251006 control chromosomes. This frequency is not significantly higher than estimated for a pathogenic variant in NAGLU causing Mucopolysaccharidosis Type IIIB (Sanfilippo Syndrome B) (0.00015 vs 0.0025), allowing no conclusion about variant significance. To our knowledge, no occurrence of c.510C>T in individuals affected with Mucopolysaccharidosis Type IIIB (Sanfilippo Syndrome B) and no experimental evidence demonstrating its impact on protein function have been reported. ClinVar contains an entry for this variant (Variation ID: 751921). Based on the evidence outlined above, the variant was classified as uncertain significance.

Blueprint Genetics
Classification: Likely benign. Last evaluated: 2024-10-03. Review status: criteria provided, single submitter. Criteria: ACMG Guidelines, 2015. Collection method: clinical testing. Allele origin: germline.

Illumina Laboratory Services, Illumina
Classification: Uncertain significance for Mucopolysaccharidosis, MPS-III-B. Last evaluated: 2017-04-28. Review status: criteria provided, single submitter. Criteria: ICSL Variant Classification Criteria 13 December 2019. Collection method: clinical testing. Allele origin: germline.

Dr. Peter K. Rogan Lab, Western University
No classification provided (evidence only). Condition: Melanoma. Review status: no classification provided. Collection method: in vitro. Allele origin: not applicable. Functional consequence: skipped exon, retained intron. Not counted in ClinVar's aggregate classification.